The following is an entry in ClinVar:

NM_007294.4(BRCA1):c.569C>T (p.Thr190Ile)

Gene: BRCA1 (BRCA1 DNA repair associated; minus strand). Cytogenetic location: 17q21.31.
Variant type: single nucleotide variant.
Coding change: c.569C>T on transcript NM_007294.4 (MANE Select); coding-DNA position 569, C replaced by T.
Protein change: p.Thr190Ile; replaces threonine 190 with isoleucine.
Molecular consequence: missense variant. On other transcripts: intron variant (115).
Genome position (GRCh38, 1-based): chr17:43,097,268, G>A on the plus strand (C>T on the coding strand, the complement: BRCA1 is on the minus strand). VCF-style: chr17-43097268-G-A. GRCh37 (hg19) VCF-style: chr17-41249285-G-A.
Other names: c.545-2408C>T (NM_001407670.1, NM_001408450.1, NM_001408434.1 and 20 more transcripts); c.548-2408C>T (NM_001408443.1, NM_001408439.1, NM_001408425.1 and 34 more transcripts); c.167-2408C>T (NM_001407965.1, NM_001408512.1); c.404-2408C>T (NM_001407930.1, NM_001408504.1, NM_001407931.1 and 5 more transcripts); c.407-2408C>T (NM_001407920.1, NM_001408499.1, NM_001407933.1 and 15 more transcripts); c.335-2408C>T (NM_001407954.1, NM_001408509.1, NM_001408508.1 and 3 more transcripts); c.338-2408C>T (NM_001407952.1, NM_001407950.1, NM_001407948.1 and 7 more transcripts); c.467-2408C>T (NM_001407874.1, NM_001408475.1, NM_001407875.1); and 17 more; short protein forms T119I, T120I, T142I, T143I, T145I, T163I, T164I, T187I.
Identifiers: ClinVar variation 2683809 (VCV002683809.7), dbSNP rs1323835354, ClinGen allele CA10600984.

ClinVar aggregate classification (germline): Uncertain significance. Review status: criteria provided, multiple submitters, no conflicts (2 of 4 stars). 4 submissions from 4 submitters: Uncertain significance (3). 1 of the submissions does not count toward it. Last evaluated 2025-09-04.

Conditions:
Breast-ovarian cancer, familial, susceptibility to, 1 (BROVCA1). Also called: BRCA1 Hereditary Breast and Ovarian Cancer; OVARIAN CANCER, SUSCEPTIBILITY TO. Identifiers: Orphanet 145, MedGen C2676676, MONDO:0011450, OMIM 604370. Disease mechanism: loss of function.
Hereditary breast ovarian cancer syndrome. Also called: Hereditary breast and ovarian cancer syndrome (HBOC); Breast and ovarian cancer; Hereditary breast and/or ovarian cancer syndrome; Hereditary breast and ovarian cancer syndrome; BRCA1- and BRCA2-Associated Hereditary Breast and Ovarian Cancer; Hereditary breast and ovarian cancer. Identifiers: Orphanet 145, MedGen C0677776, MeSH D061325, MONDO:0003582. Disease mechanism: loss of function.
Hereditary cancer-predisposing syndrome. Also called: Hereditary Cancer Syndrome; Hereditary neoplastic syndrome; Neoplastic Syndromes, Hereditary; Tumor predisposition. Identifiers: Orphanet 140162, MedGen C0027672, MeSH D009386, MONDO:0015356.

Allele frequency attached by ClinVar (database versions not stated): gnomAD exomes below 0.00001.
gnomAD v4.1: 1 of 1,613,612 alleles (0.000062%); highest among the groups gnomAD compares: South Asian, 0.0011%; no homozygotes.

Submissions (4):

Ambry Genetics
Classification: Uncertain significance for Hereditary cancer-predisposing syndrome. Last evaluated: 2025-09-04. Review status: criteria provided, single submitter. Criteria: Ambry Variant Classification Scheme 2023. Collection method: clinical testing. Allele origin: germline.
Comment: The p.T190I variant (also known as c.569C>T), located in coding exon 7 of the BRCA1 gene, results from a C to T substitution at nucleotide position 569. The threonine at codon 190 is replaced by isoleucine, an amino acid with similar properties. This amino acid position is not well conserved in available vertebrate species. In addition, this alteration is predicted to be deleterious by in silico analysis. Based on the available evidence, the clinical significance of this variant remains unclear.

Labcorp Genetics (formerly Invitae), Labcorp
Classification: Uncertain significance for Hereditary breast ovarian cancer syndrome. Last evaluated: 2025-05-14. Review status: criteria provided, single submitter. Criteria: Invitae Variant Classification Sherloc (09022015). Collection method: clinical testing. Allele origin: germline.
Comment: This sequence change replaces threonine, which is neutral and polar, with isoleucine, which is neutral and non-polar, at codon 190 of the BRCA1 protein (p.Thr190Ile). This variant is present in population databases (no rsID available, gnomAD 0.003%). This missense change has been observed in individual(s) with breast or ovarian cancer (PMID: 30254663). ClinVar contains an entry for this variant (Variation ID: 2683809). Invitae Evidence Modeling of protein sequence and biophysical properties (such as structural, functional, and spatial information, amino acid conservation, physicochemical variation, residue mobility, and thermodynamic stability) indicates that this missense variant is not expected to disrupt BRCA1 protein function with a negative predictive value of 80%. In summary, the available evidence is currently insufficient to determine the role of this variant in disease. Therefore, it has been classified as a Variant of Uncertain Significance.

Color Diagnostics, LLC DBA Color Health
Classification: Uncertain significance for Hereditary cancer-predisposing syndrome. Last evaluated: 2021-08-31. Review status: criteria provided, single submitter. Criteria: ACMG Guidelines, 2015. Collection method: clinical testing. Allele origin: germline.
Comment: This missense variant replaces threonine with isoleucine at codon 190 of the BRCA1 protein. Computational prediction is inconclusive regarding the impact of this variant on protein structure and function (internally defined REVEL score threshold 0.5 < inconclusive < 0.7, PMID: 27666373). To our knowledge, functional studies have not been reported for this variant. This variant has been reported in a suspected hereditary breast and ovarian cancer family (PMID: 30254663). This variant has been identified in 1/251290 chromosomes in the general population by the Genome Aggregation Database (gnomAD). The available evidence is insufficient to determine the role of this variant in disease conclusively. Therefore, this variant is classified as a Variant of Uncertain Significance.

Department of Medical and Surgical Sciences, University of Bologna
Classification: Likely benign for Breast-ovarian cancer, familial, susceptibility to, 1. Last evaluated: 2023-09-01. Review status: no assertion criteria provided. Collection method: clinical testing. Allele origin: germline. Affected: yes. Not counted in ClinVar's aggregate classification.
Comment: PM2(Supporting)+BP1(Strong) according to ACMG/AMP classification guidelines specified for BRCA1 & BRCA2 (Classification Criteria V1.0.0 2023-09-08) (PMID: 38160042)

Literature cited by the submitters: PubMed 30254663 (cited by Labcorp Genetics (formerly Invitae), Labcorp and Color Diagnostics, LLC DBA Color Health).